The following is an entry in ClinVar:

ClinVar aggregate classification (germline): Uncertain significance (1 of 4 stars; one submission).

Submission:

GeneDx
Classification: Uncertain significance. Last evaluated: 2023-05-31. Review status: criteria provided, single submitter. Criteria: GeneDx Variant Classification Process June 2021. Collection method: clinical testing. Allele origin: germline. Affected: yes.
Comment: Not observed at significant frequency in large population cohorts (gnomAD); In silico analysis supports that this missense variant has a deleterious effect on protein structure/function; Has not been previously published as pathogenic or benign to our knowledge

NM_001291867.2(NHS):c.3074A>G (p.Tyr1025Cys)

Gene: NHS (NHS actin remodeling regulator; plus strand). Cytogenetic location: Xp22.13.
Variant type: single nucleotide variant.
Coding change: c.3074A>G on transcript NM_001291867.2 (MANE Select); coding-DNA position 3074, A replaced by G.
Protein change: p.Tyr1025Cys; replaces tyrosine 1025 with cysteine.
Molecular consequence: missense variant.
Genome position (GRCh38, 1-based): chrX:17,727,180, A>G. VCF-style: chrX-17727180-A-G. GRCh37 (hg19) VCF-style: chrX-17745300-A-G.
Other names: c.2543A>G, p.Tyr848Cys (NM_001136024.4); c.2480A>G, p.Tyr827Cys (NM_001291868.2); c.3011A>G, p.Tyr1004Cys (NM_198270.4); short protein forms Y1004C, Y1025C, Y827C, Y848C.
Identifiers: ClinVar variation 3362196 (VCV003362196.1).